The following is an entry in ClinVar:

ClinVar aggregate classification (germline): Uncertain significance. Review status: criteria provided, multiple submitters, no conflicts (2 of 4 stars). 2 submissions from 2 submitters: Uncertain significance (2). Last evaluated 2025-06-23.

Conditions:
POLD1-related polyposis and colorectal cancer syndrome (CRCS10). Also called: Colorectal cancer 10; COLORECTAL CANCER, SUSCEPTIBILITY TO, ON CHROMOSOME 19q; Colorectal cancer, susceptibility to, 10. Identifiers: Orphanet 220460, MedGen C2675481, MONDO:0012953, OMIM 612591.
Hereditary cancer-predisposing syndrome. Also called: Tumor predisposition; Hereditary Cancer Syndrome; Hereditary neoplastic syndrome; Neoplastic Syndromes, Hereditary. Identifiers: Orphanet 140162, MedGen C0027672, MeSH D009386, MONDO:0015356.

Submissions (2):

Labcorp Genetics (formerly Invitae), Labcorp
Classification: Uncertain significance for POLD1-related polyposis and colorectal cancer syndrome. Last evaluated: 2025-06-23. Review status: criteria provided, single submitter. Criteria: Invitae Variant Classification Sherloc (09022015). Collection method: clinical testing. Allele origin: germline.
Comment: This sequence change replaces proline, which is neutral and non-polar, with glutamine, which is neutral and polar, at codon 107 of the POLD1 protein (p.Pro107Gln). This variant is not present in population databases (gnomAD no frequency). This variant has not been reported in the literature in individuals affected with POLD1-related conditions. ClinVar contains an entry for this variant (Variation ID: 1913724). Invitae Evidence Modeling of protein sequence and biophysical properties (such as structural, functional, and spatial information, amino acid conservation, physicochemical variation, residue mobility, and thermodynamic stability) indicates that this missense variant is not expected to disrupt POLD1 protein function with a negative predictive value of 80%. In summary, the available evidence is currently insufficient to determine the role of this variant in disease. Therefore, it has been classified as a Variant of Uncertain Significance.

Ambry Genetics
Classification: Uncertain significance for Hereditary cancer-predisposing syndrome. Last evaluated: 2025-04-03. Review status: criteria provided, single submitter. Criteria: Ambry Variant Classification Scheme 2023. Collection method: clinical testing. Allele origin: germline.
Comment: The p.P107Q variant (also known as c.320C>A), located in coding exon 3 of the POLD1 gene, results from a C to A substitution at nucleotide position 320. The proline at codon 107 is replaced by glutamine, an amino acid with similar properties. This amino acid position is conserved. In addition, this alteration is predicted to be tolerated by in silico analysis. Since supporting evidence is limited at this time, the clinical significance of this alteration remains unclear.

NM_002691.4(POLD1):c.320C>A (p.Pro107Gln)

Gene: POLD1 (DNA polymerase delta 1, catalytic subunit; plus strand). Cytogenetic location: 19q13.33.
Variant type: single nucleotide variant.
Coding change: c.320C>A on transcript NM_002691.4 (MANE Select); coding-DNA position 320, C replaced by A.
Protein change: p.Pro107Gln; replaces proline 107 with glutamine.
Molecular consequence: missense variant. On other transcripts: non-coding transcript variant (1).
Genome position (GRCh38, 1-based): chr19:50,401,781, C>A. VCF-style: chr19-50401781-C-A. GRCh37 (hg19) VCF-style: chr19-50905038-C-A.
Other names: c.320C>A (NM_002691.2); c.320C>A, p.Pro107Gln (NM_001256849.1, NM_001308632.1); short protein forms P107Q.
Identifiers: ClinVar variation 1913724 (VCV001913724.8), dbSNP rs2513954715, ClinGen allele CA406972051.
Genomic context (GRCh38, chr19:50,401,781, plus strand): 5'-ACACACCTTGGAGGACCCTGAGAGGCATGGCCGCTGTCTTACCCTGTGACCCCACAGGCC[C>A]AGCGCAGCCTGTGCCTGGGGGGCCCCCACCATCCCGCGGCTCCGTGCCTGTGCTCCGCGC-3'
Protein context (NP_002682.2, residues 97-117): QQLEIDHYVG[Pro107Gln]AQPVPGGPPP